The following is an entry in ClinVar:

NM_006918.5(SC5D):c.*1195A>G

Gene: SC5D (sterol-C5-desaturase; plus strand). Cytogenetic location: 11q24.1.
Variant type: single nucleotide variant.
Coding change: c.*1195A>G on transcript NM_006918.5 (MANE Select); 1195 bases downstream of the stop codon, A replaced by G.
Molecular consequence: 3 prime UTR variant.
Genome position (GRCh38, 1-based): chr11:121,308,707, A>G. VCF-style: chr11-121308707-A-G. GRCh37 (hg19) VCF-style: chr11-121179416-A-G.
Other names: c.*1195A>G (NM_001024956.3).
Identifiers: ClinVar variation 303066 (VCV000303066.5), dbSNP rs182551279, ClinGen allele CA10630157.
Genomic context (GRCh38, chr11:121,308,707, plus strand): 5'-GTATTATAGCAGCACAAAGTATTCTTTGTACAGATTTTGTGCCAATTTGAAGCCACAGAA[A>G]TGATGTGGATTGTTAATTGTGTTTTAGAACATCCCCGGACACTCAGTGTCACAGGGGGAA-3'

ClinVar aggregate classification (germline): Likely benign (1 of 4 stars; one submission).

Conditions:
Lathosterolosis. Also called: SC5D DEFICIENCY; STEROL C5-DESATURASE DEFICIENCY. Identifiers: Orphanet 46059, MedGen C1846421, MONDO:0011816, OMIM 607330.

Allele frequency attached by ClinVar (database versions not stated): 1000 Genomes Project 0.00040; gnomAD 0.00058 and 0.00061; TOPMed 0.00060; 1000 Genomes Project 30x 0.00109.

Submission:

Illumina Laboratory Services, Illumina
Classification: Likely benign for Lathosterolosis. Last evaluated: 2018-01-12. Review status: criteria provided, single submitter. Criteria: ICSL Variant Classification Criteria 13 December 2019. Collection method: clinical testing. Allele origin: germline.
Comment: This variant was observed in the ICSL laboratory as part of a predisposition screen in an ostensibly healthy population. It had not been previously curated by ICSL or reported in the Human Gene Mutation Database (HGMD: prior to June 1st, 2018), and was therefore a candidate for classification through an automated scoring system. Utilizing variant allele frequency, disease prevalence and penetrance estimates, and inheritance mode, an automated score was calculated to assess if this variant is too frequent to cause the disease. Based on the score and internal cut-off values, a variant classified as likely benign is not then subjected to further curation. The score for this variant resulted in a classification of likely benign for this disease.